The following is an entry in ClinVar:

ClinVar aggregate classification (germline): Uncertain significance. Review status: criteria provided, multiple submitters, no conflicts (2 of 4 stars). 2 submissions from 2 submitters: Uncertain significance (2). Last evaluated 2026-07-24.

Conditions:
TMEM260-related disorder. Also called: TMEM260-related condition.

gnomAD v4.1: 76 of 1,589,344 alleles (0.0048%); highest among the groups gnomAD compares: Admixed American, 0.016%; no homozygotes.

Submissions (2):

PreventionGenetics, part of Exact Sciences
Classification: Uncertain significance for TMEM260-related condition. Last evaluated: 2026-07-24. Review status: criteria provided, single submitter. Criteria: ACMG Guidelines, 2015. Collection method: clinical testing. Allele origin: germline.
Comment: The TMEM260 c.572A>G variant is predicted to result in the amino acid substitution p.His191Arg. To our knowledge, this variant has not been reported in the literature. This variant is reported in 0.0064% of alleles in individuals of Latino descent in gnomAD. At this time, the clinical significance of this variant is uncertain due to the absence of conclusive functional and genetic evidence.

GeneDx
Classification: Uncertain significance. Last evaluated: 2023-11-10. Review status: criteria provided, single submitter. Criteria: GeneDx Variant Classification Process June 2021. Collection method: clinical testing. Allele origin: germline. Affected: yes.
Comment: In silico analysis supports that this missense variant has a deleterious effect on protein structure/function; Has not been previously published as pathogenic or benign to our knowledge

NM_017799.4(TMEM260):c.572A>G (p.His191Arg)

Gene: TMEM260 (transmembrane protein 260; plus strand). Cytogenetic location: 14q22.3.
Variant type: single nucleotide variant.
Coding change: c.572A>G on transcript NM_017799.4 (MANE Select); coding-DNA position 572, A replaced by G.
Protein change: p.His191Arg; replaces histidine 191 with arginine.
Molecular consequence: missense variant.
Genome position (GRCh38, 1-based): chr14:56,605,619, A>G. VCF-style: chr14-56605619-A-G. GRCh37 (hg19) VCF-style: chr14-57072337-A-G.
Other names: short protein forms H191R.
Identifiers: ClinVar variation 3363837 (VCV003363837.2).